The following is an entry in ClinVar:

NM_024408.4(NOTCH2):c.1235G>T (p.Cys412Phe)

Gene: NOTCH2 (notch receptor 2; minus strand). Cytogenetic location: 1p12.
Variant type: single nucleotide variant.
Coding change: c.1235G>T on transcript NM_024408.4 (MANE Select); coding-DNA position 1235, G replaced by T.
Protein change: p.Cys412Phe; replaces cysteine 412 with phenylalanine.
Molecular consequence: missense variant.
Genome position (GRCh38, 1-based): chr1:119,968,106, C>A on the plus strand (G>T on the coding strand, the complement: NOTCH2 is on the minus strand). VCF-style: chr1-119968106-C-A. GRCh37 (hg19) VCF-style: chr1-120510729-C-A.
Other names: c.1235G>T, p.Cys412Phe (NM_001200001.2); short protein forms C412F.
Identifiers: ClinVar variation 4528331 (VCV004528331.1).

ClinVar aggregate classification (germline): Likely pathogenic (1 of 4 stars; one submission).

Conditions:
Alagille syndrome due to a NOTCH2 point mutation. Also called: Alagille syndrome 2. Identifiers: Orphanet 261629, Orphanet 52, MedGen C1857761, MONDO:0012439, OMIM 610205.

Submission:

Department of Human Genetics, Hannover Medical School
Classification: Likely pathogenic for Alagille syndrome due to a NOTCH2 point mutation. Last evaluated: 2025-02-01. Review status: criteria provided, single submitter. Criteria: ACMG Guidelines, 2015. Collection method: clinical testing. Allele origin: germline. Observed: 1 variant allele.
Comment: ACMG: Variant is absent from controls (gnomAD v4.1.0) [PM2_supp]; Computational evidence support a deleterious effect on the gene or gene product (REVEL score 0.915) [PP3_mod]; Missense variant in a gene that has a low rate of benign missense variation and in which missense variants are a common mechanism of disease (Missense gnomAD constraint Z-Score NOTCH2: 6,05)[PP2]; Assumed de novo, but without confirmation of paternity and maternity [PM6_supp]; Our in vitro analysis shows functional impairment [PS3_supp]